The following is an entry in ClinVar:

ClinVar aggregate classification (germline): Uncertain significance. Review status: criteria provided, multiple submitters, no conflicts (2 of 4 stars). 4 submissions from 4 submitters: Uncertain significance (3). 1 of the submissions does not count toward it. Last evaluated 2026-01-08.

Conditions:
Inborn genetic diseases. Identifiers: MedGen C0950123, MeSH D030342.
Spongy degeneration of central nervous system. Also called: Canavan disease; Von Bogaert-Bertrand disease; ACY2 DEFICIENCY; AMINOACYLASE 2 DEFICIENCY; ASP DEFICIENCY; ASPA DEFICIENCY. Identifiers: Orphanet 141, MedGen C0206307, MONDO:0010079, OMIM 271900.

Allele frequency attached by ClinVar (database versions not stated): ExAC 0.00002; TOPMed 0.00001; gnomAD exomes 0.00002; gnomAD 0.00001.
gnomAD v4.1: 36 of 1,613,698 alleles (0.0022%); highest among the groups gnomAD compares: Non-Finnish European, 0.0029%; no homozygotes.

Submissions (4):

Labcorp Genetics (formerly Invitae), Labcorp
Classification: Uncertain significance for Spongy degeneration of central nervous system. Last evaluated: 2026-01-08. Review status: criteria provided, single submitter. Criteria: Invitae Variant Classification Sherloc (09022015). Collection method: clinical testing. Allele origin: germline.
Comment: This sequence change replaces aspartic acid, which is acidic and polar, with histidine, which is basic and polar, at codon 110 of the ASPA protein (p.Asp110His). This variant is present in population databases (rs781156670, gnomAD 0.004%). This variant has not been reported in the literature in individuals affected with ASPA-related conditions. ClinVar contains an entry for this variant (Variation ID: 970313). Invitae Evidence Modeling of protein sequence and biophysical properties (such as structural, functional, and spatial information, amino acid conservation, physicochemical variation, residue mobility, and thermodynamic stability) indicates that this missense variant is expected to disrupt ASPA protein function with a positive predictive value of 95%. In summary, the available evidence is currently insufficient to determine the role of this variant in disease. Therefore, it has been classified as a Variant of Uncertain Significance.

Blueprint Genetics
Classification: Uncertain significance. Last evaluated: 2024-10-10. Review status: criteria provided, single submitter. Criteria: ACMG Guidelines, 2015. Collection method: clinical testing. Allele origin: germline.

Ambry Genetics
Classification: Uncertain significance for Inborn genetic diseases. Last evaluated: 2024-09-24. Review status: criteria provided, single submitter. Criteria: Ambry Variant Classification Scheme 2023. Collection method: clinical testing. Allele origin: germline.
Comment: The p.D110H variant (also known as c.328G>C), located in coding exon 2 of the ASPA gene, results from a G to C substitution at nucleotide position 328. The aspartic acid at codon 110 is replaced by histidine, an amino acid with similar properties. This amino acid position is conserved. In addition, this alteration is predicted to be deleterious by in silico analysis. Based on the available evidence, the clinical significance of this variant remains unclear.

Natera, Inc.
Classification: Uncertain significance for Canavan Disease. Last evaluated: 2018-05-18. Review status: no assertion criteria provided. Collection method: clinical testing. Allele origin: germline. Not counted in ClinVar's aggregate classification.

NM_000049.4(ASPA):c.328G>C (p.Asp110His)

Genes: SPATA22 (spermatogenesis associated 22; minus strand), ASPA (aspartoacylase; plus strand). Cytogenetic location: 17p13.2.
Variant type: single nucleotide variant.
Coding change: c.328G>C on transcript NM_000049.4 (MANE Select); coding-DNA position 328, G replaced by C.
Protein change: p.Asp110His; replaces aspartic acid 110 with histidine.
Molecular consequence: missense variant. On other transcripts: intron variant (2).
Genome position (GRCh38, 1-based): chr17:3,481,694, G>C. VCF-style: chr17-3481694-G-C. GRCh37 (hg19) VCF-style: chr17-3384988-G-C.
Other names: c.328G>C, p.Asp110His (NM_001128085.1); c.-73-12296C>G (NM_001321336.2, NM_001321337.2); short protein forms D110H.
Identifiers: ClinVar variation 970313 (VCV000970313.19), dbSNP rs781156670, ClinGen allele CA8288897.